The following is an entry in ClinVar:

NM_152778.4(MFSD8):c.-100G>C

Genes: ABHD18 (abhydrolase domain containing 18; plus strand), MFSD8 (major facilitator superfamily domain containing 8; minus strand). Cytogenetic location: 4q28.2.
Variant type: single nucleotide variant.
Coding change: c.-100G>C on transcript NM_152778.4; 100 bases upstream of the start codon, G replaced by C.
Molecular consequence: 5 prime UTR variant. On other transcripts: intron variant (19).
Genome position (GRCh38, 1-based): chr4:127,965,921, C>G on the plus strand (G>C on the coding strand, the complement: MFSD8 is on the minus strand). VCF-style: chr4-127965921-C-G. GRCh37 (hg19) VCF-style: chr4-128887076-C-G.
Other names: c.-98G>C (NM_001371590.2, NM_001410765.1); c.-637+315C>G (NM_001366042.3); c.-18+315C>G (NM_001358454.3, NM_001358451.3, NM_001366039.3 and 2 more transcripts); c.-819+315C>G (NM_001366038.3); c.-532+315C>G (NM_001366040.3); c.-208+315C>G (NM_001319305.3, NM_001366048.1); c.-487+315C>G (NM_001319307.3, NM_001366037.3, NM_001366046.1); c.-298+315C>G (NM_001319306.3, NM_001366041.3, NM_001366047.1); and 3 more.
Identifiers: ClinVar variation 347546 (VCV000347546.8), dbSNP rs74561222, ClinGen allele CA10617062.

ClinVar aggregate classification (germline): Benign. Review status: criteria provided, multiple submitters, no conflicts (2 of 4 stars). 2 submissions from 2 submitters: Benign (2). Last evaluated 2018-06-23.

Conditions:
Neuronal ceroid lipofuscinosis 7 (CLN7). Also called: MFSD8-Related Neuronal Ceroid-Lipofuscinosis. Identifiers: Orphanet 168491, Orphanet 228366, MedGen C1838571, MONDO:0012588, OMIM 610951.

Allele frequency attached by ClinVar (database versions not stated): 1000 Genomes Project 0.01438; 1000 Genomes Project 30x 0.01483; gnomAD 0.01456 and 0.01575; TOPMed 0.01627.

Submissions (2):

GeneDx
Classification: Benign. Last evaluated: 2018-06-23. Review status: criteria provided, single submitter. Criteria: GeneDx Variant Classification Process June 2021. Collection method: clinical testing. Allele origin: germline. Affected: yes.

Illumina Laboratory Services, Illumina
Classification: Benign for Neuronal ceroid lipofuscinosis 7. Last evaluated: 2018-01-13. Review status: criteria provided, single submitter. Criteria: ICSL Variant Classification Criteria 13 December 2019. Collection method: clinical testing. Allele origin: germline.
Comment: This variant was observed in the ICSL laboratory as part of a predisposition screen in an ostensibly healthy population. It had not been previously curated by ICSL or reported in the Human Gene Mutation Database (HGMD: prior to June 1st, 2018), and was therefore a candidate for classification through an automated scoring system. Utilizing variant allele frequency, disease prevalence and penetrance estimates, and inheritance mode, an automated score was calculated to assess if this variant is too frequent to cause the disease. Based on the score and internal cut-off values, a variant classified as benign is not then subjected to further curation. The score for this variant resulted in a classification of benign for this disease.